The following is an entry in ClinVar:

ClinVar aggregate classification (germline): Uncertain significance (1 of 4 stars; one submission).

Allele frequency attached by ClinVar (database versions not stated): ExAC 0.00001; gnomAD 0.00001; gnomAD exomes 0.00001; TOPMed 0.00001.
gnomAD v4.1: 14 of 1,589,824 alleles (0.00088%); highest among the groups gnomAD compares: Admixed American, 0.0035%; no homozygotes.

Submission:

GeneDx
Classification: Uncertain significance. Last evaluated: 2020-01-30. Review status: criteria provided, single submitter. Criteria: GeneDx Variant Classification Process June 2021. Collection method: clinical testing. Allele origin: germline. Affected: yes.
Comment: In silico analysis, which includes protein predictors and evolutionary conservation, supports a deleterious effect; Has not been previously published as pathogenic or benign to our knowledge

NM_001080449.3(DNA2):c.1754C>T (p.Thr585Met)

Gene: DNA2 (DNA replication helicase/nuclease 2; minus strand). Cytogenetic location: 10q21.3.
Variant type: single nucleotide variant.
Coding change: c.1754C>T on transcript NM_001080449.3 (MANE Select); coding-DNA position 1754, C replaced by T.
Protein change: p.Thr585Met; replaces threonine 585 with methionine.
Molecular consequence: missense variant. On other transcripts: non-coding transcript variant (1).
Genome position (GRCh38, 1-based): chr10:68,432,403, G>A on the plus strand (C>T on the coding strand, the complement: DNA2 is on the minus strand). VCF-style: chr10-68432403-G-A. GRCh37 (hg19) VCF-style: chr10-70192160-G-A.
Other names: short protein forms T585M.
Identifiers: ClinVar variation 1311959 (VCV001311959.2), dbSNP rs374807258, ClinGen allele CA5524996.